The following is an entry in ClinVar:

ClinVar aggregate classification (germline): Uncertain significance (1 of 4 stars; one submission).

Conditions:
Hypertrophic cardiomyopathy 26. Also called: Cardiomyopathy, familial hypertrophic, 26. Identifiers: Orphanet 75249, MedGen C4310749, MONDO:0014883, OMIM 617047.
Myofibrillar myopathy 5. Also called: Filaminopathy (type); FILAMINOPATHY, AUTOSOMAL DOMINANT. Identifiers: Orphanet 171445, MedGen C1836050, MONDO:0012289, OMIM 609524.
Distal myopathy with posterior leg and anterior hand involvement. Also called: WILLIAMS DISTAL MYOPATHY. Identifiers: Orphanet 63273, MedGen C3279722, MONDO:0013550, OMIM 614065.

Submission:

Labcorp Genetics (formerly Invitae), Labcorp
Classification: Uncertain significance for Distal myopathy with posterior leg and anterior hand involvement; Myofibrillar myopathy 5; Hypertrophic cardiomyopathy 26. Last evaluated: 2022-08-09. Review status: criteria provided, single submitter. Criteria: Invitae Variant Classification Sherloc (09022015). Collection method: clinical testing. Allele origin: germline.
Comment: In summary, the available evidence is currently insufficient to determine the role of this variant in disease. Therefore, it has been classified as a Variant of Uncertain Significance. Algorithms developed to predict the effect of missense changes on protein structure and function are either unavailable or do not agree on the potential impact of this missense change (SIFT: "Deleterious"; PolyPhen-2: "Probably Damaging"; Align-GVGD: "Class C0"). ClinVar contains an entry for this variant (Variation ID: 1445940). This variant has not been reported in the literature in individuals affected with FLNC-related conditions. This variant is not present in population databases (gnomAD no frequency). This sequence change replaces phenylalanine, which is neutral and non-polar, with serine, which is neutral and polar, at codon 787 of the FLNC protein (p.Phe787Ser).

NM_001458.5(FLNC):c.2360T>C (p.Phe787Ser)

Gene: FLNC (filamin C; plus strand). Cytogenetic location: 7q32.1.
Variant type: single nucleotide variant.
Coding change: c.2360T>C on transcript NM_001458.5 (MANE Select); coding-DNA position 2360, T replaced by C.
Protein change: p.Phe787Ser; replaces phenylalanine 787 with serine.
Molecular consequence: missense variant.
Genome position (GRCh38, 1-based): chr7:128,842,669, T>C. VCF-style: chr7-128842669-T-C. GRCh37 (hg19) VCF-style: chr7-128482723-T-C.
Other names: c.2360T>C, p.Phe787Ser (NM_001127487.2); short protein forms F787S.
Identifiers: ClinVar variation 1445940 (VCV001445940.6), dbSNP rs760513917, ClinGen allele CA369191346.